The following is an entry in ClinVar:

ClinVar aggregate classification (germline): Conflicting classifications of pathogenicity. Review status: criteria provided, conflicting classifications (1 of 4 stars). 8 submissions from 8 submitters: Uncertain significance (2); Benign (1); Likely benign (5). Last evaluated 2026-07-01.

Conditions:
Glycogen storage disease, type II (IOPD). Also called: CARDIOMEGALIA GLYCOGENICA DIFFUSA; GLYCOGENOSIS, GENERALIZED, CARDIAC FORM; GSD II; Glucosidase acid-1,4-alpha deficiency; Pompe Disease; Glycogen storage disease type 2. Identifiers: Orphanet 365, MedGen C0017921, MONDO:0009290, OMIM 232300.

Allele frequency attached by ClinVar (database versions not stated): gnomAD 0.00006; ExAC 0.00011; ESP Exome Variant Server 0.00015; TOPMed 0.00016; gnomAD exomes 0.00019.
gnomAD v4.1: 129 of 1,613,766 alleles (0.008%); highest among the groups gnomAD compares: Admixed American, 0.11%; 1 homozygote.

Submissions (8):

Genomenon, Inc
Classification: Uncertain significance for Glycogen storage disease, type II. Last evaluated: 2026-07-01. Review status: criteria provided, single submitter. Criteria: Genomenon Sequence Variant Interpretation Standards - Updated. Collection method: curation. Allele origin: germline. Affected: no.
Comment: GAA c.2800-11C>G is an intronic variant located in the acceptor splice region of intron 19. This variant has been reported in the published literature (PMID:31931849). It is absent or not present at a significant frequency in gnomAD. In conclusion, we classify GAA c.2800-11C>G as a variant of uncertain significance.

Labcorp Genetics (formerly Invitae), Labcorp
Classification: Benign for Glycogen storage disease, type II. Last evaluated: 2026-02-04. Review status: criteria provided, single submitter. Criteria: Invitae Variant Classification Sherloc (09022015). Collection method: clinical testing. Allele origin: germline.

ARUP Laboratories, Molecular Genetics and Genomics, ARUP Laboratories
Classification: Likely benign for Glycogen storage disease, type II. Last evaluated: 2025-05-29. Review status: criteria provided, single submitter. Criteria: ARUP Molecular Germline Variant Investigation Process 2024. Collection method: clinical testing. Allele origin: germline.

Blueprint Genetics
Classification: Likely benign. Last evaluated: 2024-08-16. Review status: criteria provided, single submitter. Criteria: ACMG Guidelines, 2015. Collection method: clinical testing. Allele origin: germline.

Genome-Nilou Lab
Classification: Likely benign for Glycogen storage disease, type II. Last evaluated: 2021-07-22. Review status: criteria provided, single submitter. Criteria: ACMG Guidelines, 2015. Collection method: clinical testing. Allele origin: germline. Affected: no.

Broad Center for Mendelian Genomics, Broad Institute of MIT and Harvard
Classification: Likely benign for Glycogen storage disease, type II. Last evaluated: 2020-01-22. Review status: criteria provided, single submitter. Criteria: ACMG Guidelines, 2015. Collection method: curation. Allele origin: germline. Inheritance: Autosomal recessive inheritance.
Comment: The c.2800-11C>G variant in GAA has not been previously reported in individuals with Glycogen Storage Disease II but has been reported as a VUS by Illumina and a likely benign variant by GeneDx in ClinVar (Variation ID: 325796). This variant has been identified in 0.090% (32/35428) of Latino chromosomes, including 1 homozygote, by the Genome Aggregation Database (gnomAD; dbSNP rs374571499). Although this variant has been seen in the general population, its frequency is low enough to be consistent with a recessive carrier frequency. Computational prediction tools and conservation analyses suggest that this variant may not impact the protein, though this information is not predictive enough to rule out pathogenicity. However, novel synonymous variants supported by computational evidence without raised suspicion for an impact are likely benign (Richards 2015). In summary, although additional studies are required to fully establish its clinical significance, this variant is likely benign. ACMG/AMP Criteria applied: PM2, BP4, BP7 (Richards 2015).

Illumina Laboratory Services, Illumina
Classification: Uncertain significance for Glycogen storage disease, type II. Last evaluated: 2018-01-13. Review status: criteria provided, single submitter. Criteria: ICSL Variant Classification Criteria 13 December 2019. Collection method: clinical testing. Allele origin: germline.

GeneDx
Classification: Likely benign. Last evaluated: 2016-02-08. Review status: criteria provided, single submitter. Criteria: GeneDx Variant Classification (06012015). Collection method: clinical testing. Allele origin: germline. Affected: yes.
Comment: This variant is considered likely benign or benign based on one or more of the following criteria: it is a conservative change, it occurs at a poorly conserved position in the protein, it is predicted to be benign by multiple in silico algorithms, and/or has population frequency not consistent with disease.

Literature cited by the submitters: PubMed 31931849 (cited by Genomenon, Inc).

NM_000152.5(GAA):c.2800-11C>G

Gene: GAA (alpha glucosidase; plus strand). Cytogenetic location: 17q25.3.
Variant type: single nucleotide variant.
Coding change: c.2800-11C>G on transcript NM_000152.5 (MANE Select); 11 bases into the intron before coding-DNA position 2800, C replaced by G.
Molecular consequence: intron variant.
Genome position (GRCh38, 1-based): chr17:80,119,261, C>G. VCF-style: chr17-80119261-C-G. GRCh37 (hg19) VCF-style: chr17-78093060-C-G.
Other names: c.2800-11C>G (LRG_673t1, NM_001079803.3, NM_001079804.3).
Identifiers: ClinVar variation 325796 (VCV000325796.21), dbSNP rs374571499, ClinGen allele CA8815881.